The following is an entry in ClinVar:

NM_000179.3(MSH6):c.-34C>G

Gene: MSH6 (mutS homolog 6; plus strand). Cytogenetic location: 2p16.3.
Variant type: single nucleotide variant.
Coding change: c.-34C>G on transcript NM_000179.3 (MANE Select); 34 bases upstream of the start codon, C replaced by G.
Molecular consequence: 5 prime UTR variant.
Genome position (GRCh38, 1-based): chr2:47,783,200, C>G. VCF-style: chr2-47783200-C-G. GRCh37 (hg19) VCF-style: chr2-48010339-C-G.
Other names: c.-34C>G (NM_001281492.2); c.-770C>G (NM_001281493.2).
Identifiers: ClinVar variation 509283 (VCV000509283.1), dbSNP rs771435695, ClinGen allele CA071063.

ClinVar aggregate classification (germline): Likely benign (1 of 4 stars; one submission).

Allele frequency attached by ClinVar (database versions not stated): TOPMed 0.00002.
gnomAD v4.1: 21 of 1,609,494 alleles (0.0013%); highest among the groups gnomAD compares: Non-Finnish European, 0.00093%; no homozygotes.

Submission:

GeneDx
Classification: Likely benign. Last evaluated: 2017-04-26. Review status: criteria provided, single submitter. Criteria: GeneDx Variant Classification (06012015). Collection method: clinical testing. Allele origin: germline. Affected: yes.
Comment: This variant is considered likely benign or benign based on one or more of the following criteria: it is a conservative change, it occurs at a poorly conserved position in the protein, it is predicted to be benign by multiple in silico algorithms, and/or has population frequency not consistent with disease.